The following is an entry in ClinVar:

NM_000742.4(CHRNA2):c.169G>A (p.Glu57Lys)

Gene: CHRNA2 (cholinergic receptor nicotinic alpha 2 subunit; minus strand). Cytogenetic location: 8p21.2.
Variant type: single nucleotide variant.
Coding change: c.169G>A on transcript NM_000742.4 (MANE Select); coding-DNA position 169, G replaced by A.
Protein change: p.Glu57Lys; replaces glutamic acid 57 with lysine.
Molecular consequence: missense variant. On other transcripts: 5 prime UTR variant (4).
Genome position (GRCh38, 1-based): chr8:27,469,886, C>T on the plus strand (G>A on the coding strand, the complement: CHRNA2 is on the minus strand). VCF-style: chr8-27469886-C-T. GRCh37 (hg19) VCF-style: chr8-27327403-C-T.
Other names: c.169G>A, p.Glu57Lys (NM_001282455.2); c.-259G>A (NM_001347705.2); c.-304G>A (NM_001347706.2); c.-245G>A (NM_001347707.2); c.-293G>A (NM_001347708.2); c.169G>A (NM_000742.3); short protein forms E57K.
Identifiers: ClinVar variation 810265 (VCV000810265.45), dbSNP rs139552324, ClinGen allele CA4689775.

ClinVar aggregate classification (germline): Uncertain significance. Review status: criteria provided, multiple submitters, no conflicts (2 of 4 stars). 3 submissions from 3 submitters: Uncertain significance (3). Last evaluated 2025-09-24.

Conditions:
Inborn genetic diseases. Identifiers: MedGen C0950123, MeSH D030342.
Familial sleep-related hypermotor epilepsy. Also called: Autosomal Dominant Sleep-Related Hypermotor (Hyperkinetic) Epilepsy. Identifiers: Orphanet 98784, MedGen C3696898, MONDO:0000030.

Allele frequency attached by ClinVar (database versions not stated): gnomAD exomes 0.00001; ExAC 0.00002; ESP Exome Variant Server 0.00008.
gnomAD v4.1: 8 of 1,614,154 alleles (0.0005%); highest among the groups gnomAD compares: South Asian, 0.0022%; no homozygotes.

Submissions (3):

Labcorp Genetics (formerly Invitae), Labcorp
Classification: Uncertain significance. Last evaluated: 2025-09-24. Review status: criteria provided, single submitter. Criteria: Invitae Variant Classification Sherloc (09022015). Collection method: clinical testing. Allele origin: germline.
Comment: This sequence change replaces glutamic acid, which is acidic and polar, with lysine, which is basic and polar, at codon 57 of the CHRNA2 protein (p.Glu57Lys). This variant is present in population databases (rs139552324, gnomAD 0.003%). This variant has not been reported in the literature in individuals affected with CHRNA2-related conditions. ClinVar contains an entry for this variant (Variation ID: 810265). Invitae Evidence Modeling of protein sequence and biophysical properties (such as structural, functional, and spatial information, amino acid conservation, physicochemical variation, residue mobility, and thermodynamic stability) indicates that this missense variant is not expected to disrupt CHRNA2 protein function with a negative predictive value of 80%. In summary, the available evidence is currently insufficient to determine the role of this variant in disease. Therefore, it has been classified as a Variant of Uncertain Significance.

Ambry Genetics
Classification: Uncertain significance for Inborn genetic diseases. Last evaluated: 2025-03-26. Review status: criteria provided, single submitter. Criteria: Ambry Variant Classification Scheme 2023. Collection method: clinical testing. Allele origin: germline.

CeGaT Center for Human Genetics Tuebingen
Classification: Uncertain significance. Last evaluated: 2019-02-01. Review status: criteria provided, single submitter. Criteria: CeGaT Center For Human Genetics Tuebingen Variant Classification Criteria Version 2. Collection method: clinical testing. Allele origin: germline. Affected: yes. Observed: 1 variant allele.